The following is an entry in ClinVar:

ClinVar aggregate classification (germline): Uncertain significance (1 of 4 stars; one submission).

Submission:

Ambry Genetics
Classification: Uncertain significance. Last evaluated: 2024-06-30. Review status: criteria provided, single submitter. Criteria: Ambry Variant Classification Scheme 2023. Collection method: clinical testing. Allele origin: germline.
Comment: The p.Y2124S variant (also known as c.6371A>C), located in coding exon 12 of the ALPK2 gene, results from an A to C substitution at nucleotide position 6371. The tyrosine at codon 2124 is replaced by serine, an amino acid with dissimilar properties. This amino acid position is conserved. In addition, this alteration is predicted to be tolerated by in silico analysis. Based on the available evidence, the clinical significance of this variant remains unclear.

NM_052947.4(ALPK2):c.6371A>C (p.Tyr2124Ser)

Gene: ALPK2 (alpha kinase 2; minus strand). Cytogenetic location: 18q21.31.
Variant type: single nucleotide variant.
Coding change: c.6371A>C on transcript NM_052947.4 (MANE Select); coding-DNA position 6371, A replaced by C.
Protein change: p.Tyr2124Ser; replaces tyrosine 2124 with serine.
Molecular consequence: missense variant.
Genome position (GRCh38, 1-based): chr18:58,481,965, T>G on the plus strand (A>C on the coding strand, the complement: ALPK2 is on the minus strand). VCF-style: chr18-58481965-T-G. GRCh37 (hg19) VCF-style: chr18-56149197-T-G.
Other names: short protein forms Y2124S.
Identifiers: ClinVar variation 3530577 (VCV003530577.1).